The following is an entry in ClinVar:

ClinVar aggregate classification (germline): Pathogenic/Likely pathogenic. Review status: criteria provided, multiple submitters, no conflicts (2 of 4 stars). 7 submissions from 7 submitters: Pathogenic (3); Likely pathogenic (4). Last evaluated 2026-08-06.

Conditions:
C7-related disorder. Also called: C7-related condition.
C7-related disorders.
Complement component 7 deficiency (C7D). Also called: C7 DEFICIENCY. Identifiers: MedGen C1864694, MONDO:0012412, OMIM 610102.

Allele frequency attached by ClinVar (database versions not stated): gnomAD exomes 0.00008 and 0.00021; ExAC 0.00020; gnomAD 0.00084 and 0.00088; ESP Exome Variant Server 0.00086; TOPMed 0.00088; 1000 Genomes Project 0.00100.

Submissions (7):

OLLIN Analises Genomicas, OLLIN
Classification: Likely pathogenic. Last evaluated: 2026-08-06. Review status: criteria provided, single submitter. Criteria: ACMG Guidelines 2015 PMID 25741868. Collection method: clinical testing. Allele origin: germline.
Comment: This frameshift variant, located in exon 5 (of 18), has been reported in ClinVar (accession VCV000432759.11), in gnomAD with an allele frequency of 0.015%, and in the scientific literature in individuals with C7 related disorders (PMID: 31440263). This variant causes a frameshift and introduces a premature stop codon, which is predicted to result in either a truncated protein or degradation of the mRNA via nonsense-mediated decay (NMD). According to the currently available evidence, this variant has been classified as likely pathogenic (PVS1, PS4_P).

Women's Health and Genetics/Laboratory Corporation of America, LabCorp
Classification: Pathogenic for Complement component 7 deficiency. Last evaluated: 2026-01-30. Review status: criteria provided, single submitter. Criteria: LabCorp Variant Classification Summary - May 2015. Collection method: clinical testing. Allele origin: germline.
Comment: Variant summary: C7 c.405delT (p.Asn136ThrfsX2) results in a premature termination codon, predicted to cause a truncation of the encoded protein or absence of the protein due to nonsense mediated decay, which are commonly known mechanisms for disease. The variant allele was found at a frequency of 0.00021 in 248402 control chromosomes. This frequency is not significantly higher than estimated for disease-causing variants in C7, allowing no conclusion about variant significance. c.405delT has been observed in individuals affected with Complement component 7 deficiency (Rosain_2017, El Sissy_2019). These data indicate that the variant is very likely to be associated with disease. To our knowledge, no experimental evidence demonstrating an impact on protein function has been reported. The following publications have been ascertained in the context of this evaluation (PMID: 31440263, 28368462). ClinVar contains an entry for this variant (Variation ID: 432759). Based on the evidence outlined above, the variant was classified as pathogenic.

Labcorp Genetics (formerly Invitae), Labcorp
Classification: Pathogenic. Last evaluated: 2026-01-11. Review status: criteria provided, single submitter. Criteria: Invitae Variant Classification Sherloc (09022015). Collection method: clinical testing. Allele origin: germline.
Comment: This sequence change creates a premature translational stop signal (p.Asn136Thrfs*2) in the C7 gene. It is expected to result in an absent or disrupted protein product. Loss-of-function variants in C7 are known to be pathogenic (PMID: 9856499, 17407100). This variant is present in population databases (rs139491301, gnomAD 0.3%). This premature translational stop signal has been observed in individual(s) with terminal pathway complement deficiency (PMID: 31440263). ClinVar contains an entry for this variant (Variation ID: 432759). For these reasons, this variant has been classified as Pathogenic.

Blueprint Genetics
Classification: Likely pathogenic for C7-related disorders. Last evaluated: 2024-01-30. Review status: criteria provided, single submitter. Criteria: ACMG Guidelines, 2015. Collection method: clinical testing. Allele origin: germline. Affected: yes. Observed: 5 variant alleles.

PreventionGenetics, part of Exact Sciences
Classification: Pathogenic for C7-related condition. Last evaluated: 2022-08-29. Review status: criteria provided, single submitter. Criteria: ACMG Guidelines, 2015. Collection method: clinical testing. Allele origin: germline.
Comment: The C7 c.405delT variant is predicted to result in a frameshift and premature protein termination (p.Asn136Thrfs*2). This variant has been reported in the homozygous state in multiple individuals with Complement C7 deficiency (El Sissy et al 2019. PubMed ID: 31440263; Rosain J et al 2017. PubMed ID: 28368462). This variant is reported in 0.28% of alleles in individuals of African descent in gnomAD. Frameshift variants in C7 are expected to be pathogenic. This variant is interpreted as pathogenic.

Fulgent Genetics
Classification: Likely pathogenic for Complement component 7 deficiency. Last evaluated: 2022-04-28. Review status: criteria provided, single submitter. Criteria: ACMG Guidelines, 2015. Collection method: clinical testing. Allele origin: unknown.

GeneDx
Classification: Likely pathogenic. Last evaluated: 2017-06-19. Review status: criteria provided, single submitter. Criteria: GeneDx Variant Classification (06012015). Collection method: clinical testing. Allele origin: germline. Affected: yes.
Comment: The c.405delT variant in the C7 gene has not been reported previously as a pathogenic variant nor as a benign variant, to our knowledge. The c.405delT variant causes a frameshift starting with codon Asparagine 136, changes this amino acid to a Threonine residue, and creates a premature Stop codon at position 2 of the new reading frame, denoted p.Asn136ThrfsX2. This variant is predicted to cause loss of normal protein function either through protein truncation or nonsense-mediated mRNA decay. The c.405delT variant is not observed at a significant frequency in large population cohorts (Lek et al., 2016; 1000 Genomes Consortium et al., 2015; Exome Variant Server). We interpret c.405delT as a likely pathogenic variant.

Literature cited by the submitters: PubMed 31440263 (cited by 3 submitters); PubMed 28368462 (cited by Women's Health and Genetics/Laboratory Corporation of America, LabCorp); PubMed 9856499 (cited by Labcorp Genetics (formerly Invitae), Labcorp); PubMed 17407100 (cited by Labcorp Genetics (formerly Invitae), Labcorp).

NM_000587.4(C7):c.405del (p.Asn136fs)

Gene: C7 (complement C7; plus strand). Cytogenetic location: 5p13.1.
Variant type: Deletion.
Coding change: c.405del on transcript NM_000587.4 (MANE Select); coding-DNA position 405, one base deleted (T; older notation c.405delT).
Protein change: p.Asn136fs; shifts the reading frame from asparagine 136.
Molecular consequence: frameshift variant.
Genome position (GRCh38, 1-based): chr5:40,936,462, T deleted. VCF-style (leftmost placement, unchanged base first): chr5-40936461-CT-C. GRCh37 (hg19) VCF-style: chr5-40936563-CT-C.
Other names: c.405del (LRG_30t1); c.405delT (NM_000587.3, NM_000587.4); short protein forms N136fs.
Identifiers: ClinVar variation 432759 (VCV000432759.13), dbSNP rs139491301, ClinGen allele CA3249626.